The following is an entry in ClinVar:

ClinVar aggregate classification (germline): Uncertain significance (0 of 4 stars; one submission).

Allele frequency attached by ClinVar (database versions not stated): gnomAD exomes below 0.00001; ExAC 0.00001; gnomAD 0.00001.

Submission:

Department of Pathology and Laboratory Medicine, Sinai Health System
Classification: Uncertain significance. Review status: no assertion criteria provided. Collection method: clinical testing. Allele origin: unknown. Affected: yes. Study: The Canadian Open Genetics Repository (COGR).
Comment: The AHDC1 p.Val662Met variant was identified in dbSNP (ID: rs748212979) but was not identified in the literature or in ClinVar, Cosmic, or LOVD 3.0. The variant was identified in control databases in 1 of 246780 chromosomes (0 homozygous) at a frequency of 0.000004 (Genome Aggregation Database March 6, 2019, v2.1.1). The variant was observed in the European (non-Finnish) population in 1 of 111876 chromosomes (freq: 0.000009), but was not observed in the African, Latino, Ashkenazi Jewish, East Asian, European (Finnish), Other, or South Asian populations. The p.Val662 residue is conserved in in mammals but not in more distantly related organisms and computational analyses (PolyPhen-2, SIFT, AlignGVGD, BLOSUM, MutationTaster) provide inconsistent predictions regarding the impact to the protein. The variant occurs outside of the splicing consensus sequence and three out of four in silico or computational prediction software programs (SpliceSiteFinder, MaxEntScan, NNSPLICE, GeneSplicer) do not predict a difference in splicing. In summary, based on the above information the clinical significance of this variant cannot be determined with certainty at this time. This variant is classified as a variant of uncertain significance.

NM_001371928.1(AHDC1):c.1984G>A (p.Val662Met)

Gene: AHDC1 (AT-hook DNA binding motif containing 1; minus strand). Cytogenetic location: 1p36.11.
Variant type: single nucleotide variant.
Coding change: c.1984G>A on transcript NM_001371928.1 (MANE Select); coding-DNA position 1984, G replaced by A.
Protein change: p.Val662Met; replaces valine 662 with methionine.
Molecular consequence: missense variant.
Genome position (GRCh38, 1-based): chr1:27,550,132, C>T on the plus strand (G>A on the coding strand, the complement: AHDC1 is on the minus strand). VCF-style: chr1-27550132-C-T. GRCh37 (hg19) VCF-style: chr1-27876643-C-T.
Other names: c.1984G>A, p.Val662Met (NM_001029882.3); short protein forms V662M.
Identifiers: ClinVar variation 1049841 (VCV001049841.1), dbSNP rs748212979, ClinGen allele CA715856.